The following is an entry in ClinVar:

ClinVar aggregate classification (germline): Uncertain significance (1 of 4 stars; one submission).

Conditions:
Myopathy, proximal, and ophthalmoplegia (CMYO6). Also called: CONGENITAL MYOPATHY 6 WITH OPHTHALMOPLEGIA; MYOPATHY WITH CONGENITAL JOINT CONTRACTURES, OPHTHALMOPLEGIA, AND RIMMED VACUOLES; INCLUSION BODY MYOPATHY 3, AUTOSOMAL DOMINANT. Identifiers: Orphanet 363677, Orphanet 79091, MedGen C1854106, MONDO:0011577, OMIM 605637.

Submission:

Labcorp Genetics (formerly Invitae), Labcorp
Classification: Uncertain significance for Myopathy, proximal, and ophthalmoplegia. Last evaluated: 2025-10-29. Review status: criteria provided, single submitter. Criteria: Invitae Variant Classification Sherloc (09022015). Collection method: clinical testing. Allele origin: germline.
Comment: This sequence change replaces histidine, which is basic and polar, with arginine, which is basic and polar, at codon 98 of the MYH2 protein (p.His98Arg). This variant is not present in population databases (gnomAD no frequency). This variant has not been reported in the literature in individuals affected with MYH2-related conditions. Invitae Evidence Modeling of protein sequence and biophysical properties (such as structural, functional, and spatial information, amino acid conservation, physicochemical variation, residue mobility, and thermodynamic stability) indicates that this missense variant is expected to disrupt MYH2 protein function with a positive predictive value of 80%. In summary, the available evidence is currently insufficient to determine the role of this variant in disease. Therefore, it has been classified as a Variant of Uncertain Significance.

NM_017534.6(MYH2):c.293A>G (p.His98Arg)

Genes: MYH2 (myosin heavy chain 2; minus strand), MYHAS (myosin heavy chain gene cluster antisense RNA; plus strand). Cytogenetic location: 17p13.1.
Variant type: single nucleotide variant.
Coding change: c.293A>G on transcript NM_017534.6 (MANE Select); coding-DNA position 293, A replaced by G.
Protein change: p.His98Arg; replaces histidine 98 with arginine.
Molecular consequence: missense variant.
Genome position (GRCh38, 1-based): chr17:10,547,530, T>C on the plus strand (A>G on the coding strand, the complement: MYH2 is on the minus strand). VCF-style: chr17-10547530-T-C. GRCh37 (hg19) VCF-style: chr17-10450847-T-C.
Other names: c.293A>G, p.His98Arg (NM_001100112.2); short protein forms H98R.
Identifiers: ClinVar variation 4777613 (VCV004777613.1).